The following is an entry in ClinVar:

ClinVar aggregate classification (germline): Likely pathogenic (1 of 4 stars; one submission).

Conditions:
Usher syndrome type 2A. Also called: RETINAL DISEASE IN USHER SYNDROME TYPE IIA, MODIFIER OF; USHER SYNDROME, TYPE IIA. Identifiers: Orphanet 231178, Orphanet 886, MedGen C1848634, MONDO:0010169, OMIM 276901.

Submission:

Myriad Genetics, Inc.
Classification: Likely pathogenic for Usher syndrome type 2A. Last evaluated: 2022-02-17. Review status: criteria provided, single submitter. Criteria: Myriad Women's Health Autosomal Recessive and X-Linked Classification Criteria (2021). Collection method: clinical testing. Allele origin: unknown.
Comment: NM_206933.2(USH2A):c.9379C>T(Q3127*) is expected to be pathogenic in the context of USH2A-related disorders. This variant is predicted to lead to an abnormal or absent protein product due to the creation of a premature termination codon in USH2A, a gene where loss-of-function variants are known to be pathogenic. Please note: this variant was assessed in the context of healthy population screening.

NM_206933.4(USH2A):c.9379C>T (p.Gln3127Ter)

Gene: USH2A (usherin; minus strand). Cytogenetic location: 1q41.
Variant type: single nucleotide variant.
Coding change: c.9379C>T on transcript NM_206933.4 (MANE Select); coding-DNA position 9379, C replaced by T.
Protein change: p.Gln3127Ter; replaces glutamine 3127 with a stop codon.
Molecular consequence: nonsense.
Genome position (GRCh38, 1-based): chr1:215,817,188, G>A on the plus strand (C>T on the coding strand, the complement: USH2A is on the minus strand). VCF-style: chr1-215817188-G-A. GRCh37 (hg19) VCF-style: chr1-215990530-G-A.
Other names: short protein forms Q3127*.
Identifiers: ClinVar variation 1724479 (VCV001724479.2), dbSNP rs2464521290, ClinGen allele CA344825472.